The following is an entry in ClinVar:

ClinVar aggregate classification (germline): Uncertain significance (1 of 4 stars; one submission).

Allele frequency attached by ClinVar (database versions not stated): gnomAD 0.00003; TOPMed 0.00003; gnomAD exomes 0.00010; ExAC 0.00011.
gnomAD v4.1: 150 of 1,613,866 alleles (0.0093%); highest among the groups gnomAD compares: Non-Finnish European, 0.012%; no homozygotes.

Submission:

Labcorp Genetics (formerly Invitae), Labcorp
Classification: Uncertain significance. Last evaluated: 2025-06-27. Review status: criteria provided, single submitter. Criteria: Invitae Variant Classification Sherloc (09022015). Collection method: clinical testing. Allele origin: germline.
Comment: This sequence change affects an acceptor splice site in intron 16 of the MICAL1 gene. It is expected to disrupt RNA splicing. Variants that disrupt the donor or acceptor splice site typically lead to a loss of protein function (PMID: 16199547), however the current clinical and genetic evidence is not sufficient to establish whether loss-of-function variants in MICAL1 cause disease. This variant is present in population databases (rs747440236, gnomAD 0.01%). This variant has not been reported in the literature in individuals affected with MICAL1-related conditions. ClinVar contains an entry for this variant (Variation ID: 1897487). Algorithms developed to predict the effect of sequence changes on RNA splicing suggest that this variant may disrupt the consensus splice site. In summary, the available evidence is currently insufficient to determine the role of this variant in disease. Therefore, it has been classified as a Variant of Uncertain Significance.

Literature cited by the submitters: PubMed 16199547.

NM_022765.4(MICAL1):c.2071-2A>G

Gene: MICAL1 (microtubule associated monooxygenase, calponin and LIM domain containing 1; minus strand). Cytogenetic location: 6q21.
Variant type: single nucleotide variant.
Coding change: c.2071-2A>G on transcript NM_022765.4 (MANE Select); the canonical splice acceptor site of the intron before coding-DNA position 2071, A replaced by G.
Molecular consequence: splice acceptor variant.
Genome position (GRCh38, 1-based): chr6:109,447,231, T>C on the plus strand (A>G on the coding strand, the complement: MICAL1 is on the minus strand). VCF-style: chr6-109447231-T-C. GRCh37 (hg19) VCF-style: chr6-109768434-T-C.
Other names: c.2128-2A>G (NM_001286613.2); c.1813-2A>G (NM_001159291.2).
Identifiers: ClinVar variation 1897487 (VCV001897487.5), dbSNP rs747440236, ClinGen allele CA3953065.